The following is an entry in ClinVar:

NM_017763.6(RNF43):c.2290G>T (p.Val764Leu)

Gene: RNF43 (ring finger protein 43; minus strand). Cytogenetic location: 17q22.
Variant type: single nucleotide variant.
Coding change: c.2290G>T on transcript NM_017763.6 (MANE Select); coding-DNA position 2290, G replaced by T.
Protein change: p.Val764Leu; replaces valine 764 with leucine.
Molecular consequence: missense variant.
Genome position (GRCh38, 1-based): chr17:58,357,486, C>A on the plus strand (G>T on the coding strand, the complement: RNF43 is on the minus strand). VCF-style: chr17-58357486-C-A. GRCh37 (hg19) VCF-style: chr17-56434847-C-A.
Other names: c.2290G>T, p.Val764Leu (NM_001305544.3, NM_001438820.1, NM_001438821.1 and 1 more transcripts); c.1909G>T, p.Val637Leu (NM_001305545.2, NM_001437987.1); short protein forms V637L, V764L.
Identifiers: ClinVar variation 4579014 (VCV004579014.1).

ClinVar aggregate classification (germline): Uncertain significance (1 of 4 stars; one submission).

Submission:

Ambry Genetics
Classification: Uncertain significance. Last evaluated: 2025-12-06. Review status: criteria provided, single submitter. Criteria: Ambry Variant Classification Scheme 2023. Collection method: clinical testing. Allele origin: germline.
Comment: The p.V764L variant (also known as c.2290G>T), located in coding exon 8 of the RNF43 gene, results from a G to T substitution at nucleotide position 2290. The valine at codon 764 is replaced by leucine, an amino acid with highly similar properties. This amino acid position is conserved. In addition, this alteration is predicted to be tolerated by in silico analysis. Based on the available evidence, the clinical significance of this variant remains unclear.